The following is an entry in ClinVar:

ClinVar aggregate classification (germline): Pathogenic/Likely pathogenic. Review status: criteria provided, multiple submitters, no conflicts (2 of 4 stars). 2 submissions from 2 submitters: Pathogenic (1); Likely pathogenic (1). Last evaluated 2025-06-01.

Conditions:
Familial adenomatous polyposis 1 (FAP1). Also called: POLYPOSIS, ADENOMATOUS INTESTINAL; FAMILIAL ADENOMATOUS POLYPOSIS 1, ATTENUATED. Identifiers: MedGen C2713442, MONDO:0021056, OMIM 175100. Disease mechanism: loss of function.

Submissions (2):

CeGaT Center for Human Genetics Tuebingen
Classification: Likely pathogenic. Last evaluated: 2025-06-01. Review status: criteria provided, single submitter. Criteria: CeGaT Center For Human Genetics Tuebingen Variant Classification Criteria Version 2. Collection method: clinical testing. Allele origin: germline. Affected: yes. Observed: 4 variant alleles.
Comment: APC: PVS1:Strong, PM2

Mendelics
Classification: Pathogenic for Familial adenomatous polyposis 1. Last evaluated: 2019-05-28. Review status: criteria provided, single submitter. Criteria: Mendelics Assertion Criteria 2017. Collection method: clinical testing. Allele origin: unknown.

NM_000038.6(APC):c.2334_2337del (p.Asn778fs)

Gene: APC (APC regulator of Wnt signaling pathway; plus strand). Cytogenetic location: 5q22.2.
Variant type: Deletion.
Coding change: c.2334_2337del on transcript NM_000038.6 (MANE Select); coding-DNA positions 2334 to 2337, 4 bases deleted (TTTA; older notation c.2334_2337delTTTA).
Protein change: p.Asn778fs; shifts the reading frame from asparagine 778.
Molecular consequence: frameshift variant.
Genome position (GRCh38, 1-based): chr5:112,837,928-112,837,931, TTTA deleted; deleting any 4 consecutive bases within chr5:112,837,927-112,837,931 gives the same sequence; the c. name uses the placement nearest the transcript's 3' end. VCF-style (leftmost placement, unchanged base first): chr5-112837926-AATTT-A. GRCh37 (hg19) VCF-style: chr5-112173623-AATTT-A.
Other names: c.2334_2337del, p.Asn778fs (NM_001127510.3, NM_001354895.2); c.2280_2283del, p.Asn760fs (NM_001127511.3); c.2388_2391del, p.Asn796fs (NM_001354896.2); c.2364_2367del, p.Asn788fs (NM_001354897.2); c.2259_2262del, p.Asn753fs (NM_001354898.2); c.2250_2253del, p.Asn750fs (NM_001354899.2); c.2211_2214del, p.Asn737fs (NM_001354900.2); c.2157_2160del, p.Asn719fs (NM_001354901.2); and 5 more; short protein forms N719fs, N750fs, N778fs, N796fs, N495fs, N618fs, N677fs, N753fs.
Identifiers: ClinVar variation 802139 (VCV000802139.17), dbSNP rs1580620655, ClinGen allele CA915942616.